The following is an entry in ClinVar:

NM_001048174.2(MUTYH):c.988T>G (p.Phe330Val)

Gene: MUTYH (mutY DNA glycosylase; minus strand). Cytogenetic location: 1p34.1.
Variant type: single nucleotide variant.
Coding change: c.988T>G on transcript NM_001048174.2 (MANE Select); coding-DNA position 988, T replaced by G.
Protein change: p.Phe330Val; replaces phenylalanine 330 with valine.
Molecular consequence: missense variant. On other transcripts: non-coding transcript variant (2).
Genome position (GRCh38, 1-based): chr1:45,331,775, A>C on the plus strand (T>G on the coding strand, the complement: MUTYH is on the minus strand). VCF-style: chr1-45331775-A-C. GRCh37 (hg19) VCF-style: chr1-45797447-A-C.
Other names: c.988T>G, p.Phe330Val (NM_001048171.2, NM_001048173.2, NM_001293195.2); c.991T>G, p.Phe331Val (NM_001048172.2); c.1072T>G, p.Phe358Val (NM_001128425.2); c.1033T>G, p.Phe345Val (NM_001293190.2); c.1021T>G, p.Phe341Val (NM_001293191.2); c.712T>G, p.Phe238Val (NM_001293192.2, NM_001293196.2); c.643T>G, p.Phe215Val (NM_001350650.2, NM_001350651.2); c.1063T>G, p.Phe355Val (NM_012222.3); short protein forms F358V, F330V, F331V, F341V, F345V, F215V, F238V, F355V.
Identifiers: ClinVar variation 533302 (VCV000533302.12), dbSNP rs587781601, ClinGen allele CA340133678.

ClinVar aggregate classification (germline): Conflicting classifications of pathogenicity. Review status: criteria provided, conflicting classifications (1 of 4 stars). 2 submissions from 2 submitters: Uncertain significance (1); Likely benign (1). Last evaluated 2025-09-09.

Conditions:
Hereditary cancer-predisposing syndrome. Also called: Tumor predisposition; Hereditary neoplastic syndrome; Neoplastic Syndromes, Hereditary; Hereditary Cancer Syndrome. Identifiers: Orphanet 140162, MedGen C0027672, MeSH D009386, MONDO:0015356.
Familial adenomatous polyposis 2. Also called: MUTYH Polyposis; COLORECTAL ADENOMATOUS POLYPOSIS, AUTOSOMAL RECESSIVE; ADENOMAS, MULTIPLE COLORECTAL, AUTOSOMAL RECESSIVE; MUTYH-associated polyposis; MUTYH-related attenuated familial adenomatous polyposis; Adenomas, multiple colorectal. Identifiers: Orphanet 220460, Orphanet 247798, MedGen C3272841, MONDO:0012041, OMIM 608456.

Submissions (2):

Ambry Genetics
Classification: Likely benign for Hereditary cancer-predisposing syndrome. Last evaluated: 2025-09-09. Review status: criteria provided, single submitter. Criteria: Ambry Variant Classification Scheme 2023. Collection method: clinical testing. Allele origin: germline.

Labcorp Genetics (formerly Invitae), Labcorp
Classification: Uncertain significance for Familial adenomatous polyposis 2. Last evaluated: 2022-11-03. Review status: criteria provided, single submitter. Criteria: Invitae Variant Classification Sherloc (09022015). Collection method: clinical testing. Allele origin: germline.
Comment: This variant is not present in population databases (gnomAD no frequency). This sequence change replaces phenylalanine, which is neutral and non-polar, with valine, which is neutral and non-polar, at codon 358 of the MUTYH protein (p.Phe358Val). This variant has not been reported in the literature in individuals affected with MUTYH-related conditions. In summary, the available evidence is currently insufficient to determine the role of this variant in disease. Therefore, it has been classified as a Variant of Uncertain Significance. Algorithms developed to predict the effect of missense changes on protein structure and function are either unavailable or do not agree on the potential impact of this missense change (SIFT: "Deleterious"; PolyPhen-2: "Possibly Damaging"; Align-GVGD: "Class C15"). ClinVar contains an entry for this variant (Variation ID: 533302).

Literature cited by the submitters: PubMed 40738107 (cited by Ambry Genetics).